The following is an entry in ClinVar:

ClinVar aggregate classification (germline): Uncertain significance (1 of 4 stars; one submission).

Conditions:
Charcot-Marie-Tooth disease type 4. Also called: Charcot-Marie-Tooth, Type 4; Charcot-Marie-Tooth disease, type IV. Identifiers: Orphanet 64749, MedGen C4082197, MONDO:0018995.

Submission:

Labcorp Genetics (formerly Invitae), Labcorp
Classification: Uncertain significance for Charcot-Marie-Tooth disease type 4. Last evaluated: 2022-09-27. Review status: criteria provided, single submitter. Criteria: Invitae Variant Classification Sherloc (09022015). Collection method: clinical testing. Allele origin: germline.
Comment: In summary, the available evidence is currently insufficient to determine the role of this variant in disease. Therefore, it has been classified as a Variant of Uncertain Significance. Advanced modeling of protein sequence and biophysical properties (such as structural, functional, and spatial information, amino acid conservation, physicochemical variation, residue mobility, and thermodynamic stability) performed at Invitae indicates that this missense variant is expected to disrupt SBF2 protein function. This variant has not been reported in the literature in individuals affected with SBF2-related conditions. This variant is not present in population databases (gnomAD no frequency). This sequence change replaces leucine, which is neutral and non-polar, with proline, which is neutral and non-polar, at codon 225 of the SBF2 protein (p.Leu225Pro).

NM_030962.4(SBF2):c.674T>C (p.Leu225Pro)

Gene: SBF2 (SET binding factor 2; minus strand). Cytogenetic location: 11p15.4.
Variant type: single nucleotide variant.
Coding change: c.674T>C on transcript NM_030962.4 (MANE Select); coding-DNA position 674, T replaced by C.
Protein change: p.Leu225Pro; replaces leucine 225 with proline.
Molecular consequence: missense variant.
Genome position (GRCh38, 1-based): chr11:10,002,635, A>G on the plus strand (T>C on the coding strand, the complement: SBF2 is on the minus strand). VCF-style: chr11-10002635-A-G. GRCh37 (hg19) VCF-style: chr11-10024182-A-G.
Other names: c.674T>C, p.Leu225Pro (NM_001386339.1, NM_001386342.1); short protein forms L225P.
Identifiers: ClinVar variation 2068831 (VCV002068831.4), dbSNP rs2496190321, ClinGen allele CA379643646.